The following is an entry in ClinVar:

ClinVar aggregate classification (germline): Uncertain significance (1 of 4 stars; one submission).

Submission:

Labcorp Genetics (formerly Invitae), Labcorp
Classification: Uncertain significance. Last evaluated: 2022-06-13. Review status: criteria provided, single submitter. Criteria: Invitae Variant Classification Sherloc (09022015). Collection method: clinical testing. Allele origin: germline.
Comment: In summary, the available evidence is currently insufficient to determine the role of this variant in disease. Therefore, it has been classified as a Variant of Uncertain Significance. Algorithms developed to predict the effect of missense changes on protein structure and function are either unavailable or do not agree on the potential impact of this missense change (SIFT: "Deleterious"; PolyPhen-2: "Probably Damaging"; Align-GVGD: "Class C0"). This variant has not been reported in the literature in individuals affected with CCDC88A-related conditions. This variant is not present in population databases (gnomAD no frequency). This sequence change replaces glycine, which is neutral and non-polar, with aspartic acid, which is acidic and polar, at codon 1506 of the CCDC88A protein (p.Gly1506Asp).

NM_001365480.1(CCDC88A):c.4520G>A (p.Gly1507Asp)

Gene: CCDC88A (coiled-coil and HOOK domain protein 88A; minus strand). Cytogenetic location: 2p16.1.
Variant type: single nucleotide variant.
Coding change: c.4520G>A on transcript NM_001365480.1 (MANE Select); coding-DNA position 4520, G replaced by A.
Protein change: p.Gly1507Asp; replaces glycine 1507 with aspartic acid.
Molecular consequence: missense variant.
Genome position (GRCh38, 1-based): chr2:55,302,024, C>T on the plus strand (G>A on the coding strand, the complement: CCDC88A is on the minus strand). VCF-style: chr2-55302024-C-T. GRCh37 (hg19) VCF-style: chr2-55529160-C-T.
Other names: c.4517G>A, p.Gly1506Asp (NM_001135597.2, NM_001254943.2); c.4436G>A, p.Gly1479Asp (NM_018084.5); short protein forms G1506D, G1479D, G1507D.
Identifiers: ClinVar variation 1954431 (VCV001954431.5), dbSNP rs2544726367, ClinGen allele CA346913910.
Genomic context (GRCh38, chr2:55,302,024, plus strand): 5'-AATTCTTTTCTCCTTTTACCCGTTGAAATATCATCAGGAACCTCCAAATTCTCAGTACTA[C>T]CTGTCCACTGTCCTGCTAGGACCATGGACTGCACCAGGTCATTCATGGCTGGGATGCAAA-3'
Protein context (NP_001352409.1, residues 1497-1517): QSMVLAGQWT[Gly1507Asp]STENLEVPDD